The following is an entry in ClinVar:

ClinVar aggregate classification (germline): Likely pathogenic (1 of 4 stars; one submission).

Conditions:
Tyrosinemia type I (TYRSN1). Also called: FAH DEFICIENCY; Tyrosinemia type 1; Fumarylacetoacetase deficiency; Deficiency of fumarylacetoacetase; HEPATORENAL TYROSINEMIA. Identifiers: Orphanet 882, MedGen C0268490, MONDO:0010161, OMIM 276700. Disease mechanism: loss of function.

Submission:

Myriad Genetics, Inc.
Classification: Likely pathogenic for Tyrosinemia type I. Last evaluated: 2019-06-07. Review status: criteria provided, single submitter. Criteria: Myriad Women's Health Autosomal Recessive and X-Linked Classification Criteria (2019). Collection method: clinical testing. Allele origin: unknown.
Comment: NM_000137.2(FAH):c.835C>T(Q279*) is expected to be pathogenic in the context of tyrosinemia type I. This variant is predicted to lead to an abnormal or absent protein product due to the creation of a premature termination codon in FAH, a gene where loss-of-function variants are known to be pathogenic. Please note: this variant was assessed in the context of healthy population screening.

NM_000137.4(FAH):c.835C>T (p.Gln279Ter)

Gene: FAH (fumarylacetoacetate hydrolase; plus strand). Cytogenetic location: 15q25.1.
Variant type: single nucleotide variant.
Coding change: c.835C>T on transcript NM_000137.4 (MANE Select); coding-DNA position 835, C replaced by T.
Protein change: p.Gln279Ter; replaces glutamine 279 with a stop codon.
Molecular consequence: nonsense.
Genome position (GRCh38, 1-based): chr15:80,173,142, C>T. VCF-style: chr15-80173142-C-T. GRCh37 (hg19) VCF-style: chr15-80465484-C-T.
Other names: c.835C>T, p.Gln279Ter (NM_001374377.1, NM_001374380.1); short protein forms Q279*.
Identifiers: ClinVar variation 984267 (VCV000984267.3), dbSNP rs2041255686, ClinGen allele CA393620907.